The following is an entry in ClinVar:

ClinVar aggregate classification (germline): Uncertain significance (1 of 4 stars; one submission).

Conditions:
Duchenne muscular dystrophy (DMD). Also called: MUSCULAR DYSTROPHY, PSEUDOHYPERTROPHIC PROGRESSIVE, DUCHENNE TYPE; Duchenne Muscular Dystrophy (DMD). Identifiers: Orphanet 98896, MedGen C0013264, MONDO:0010679, OMIM 310200.

Submission:

Labcorp Genetics (formerly Invitae), Labcorp
Classification: Uncertain significance for Duchenne muscular dystrophy. Last evaluated: 2020-02-14. Review status: criteria provided, single submitter. Criteria: Invitae Variant Classification Sherloc (09022015). Collection method: clinical testing. Allele origin: germline.
Comment: This variant is an in-frame deletion of the genomic region encompassing exons 45-60 of the DMD gene. It preserves the integrity of the reading frame. This variant has been observed in an individual affected with Duchenne muscular dystrophy (PMID:21515508). In summary, the available evidence is currently insufficient to determine the role of this variant in disease. Therefore, it has been classified as a Variant of Uncertain Significance.

Literature cited by the submitters: PubMed 21515508.

NC_000023.10:g.(?_31462588)_(31986641_?)dup

Genes: DMD (dystrophin; minus strand), LOC129391296 (MPRA-validated peak7373 silencer; plus strand). Cytogenetic location: Xp21.2-21.1.
Variant type: Duplication.
Identifiers: ClinVar variation 653527 (VCV000653527.3).